The following is an entry in ClinVar:

ClinVar aggregate classification (germline): Uncertain significance. Review status: criteria provided, multiple submitters, no conflicts (2 of 4 stars). 2 submissions from 2 submitters: Uncertain significance (2). Last evaluated 2022-01-29.

Conditions:
Pseudohypoaldosteronism type 2C (PHA2C). Also called: Pseudohypoaldosteronism Type IIC. Identifiers: Orphanet 757, Orphanet 88940, MedGen C1840391, MONDO:0013778, OMIM 614492.
Neuropathy, hereditary sensory and autonomic, type 2A (HSAN2A). Also called: ACROOSTEOLYSIS, GIACCAI TYPE; ACROOSTEOLYSIS, NEUROGENIC; HSAN IIA; WNK1-Related HSAN2 (HSAN2A); MORVAN DISEASE; NEUROPATHY, CONGENITAL SENSORY. Identifiers: Orphanet 970, MedGen C2752089, MONDO:0024309, OMIM 201300.

Submissions (2):

Fulgent Genetics
Classification: Uncertain significance for Neuropathy, hereditary sensory and autonomic, type 2A; Pseudohypoaldosteronism type 2C. Last evaluated: 2022-01-29. Review status: criteria provided, single submitter. Criteria: ACMG Guidelines, 2015. Collection method: clinical testing. Allele origin: unknown.

Labcorp Genetics (formerly Invitae), Labcorp
Classification: Uncertain significance for Neuropathy, hereditary sensory and autonomic, type 2A; Pseudohypoaldosteronism type 2C. Last evaluated: 2018-09-28. Review status: criteria provided, single submitter. Criteria: Invitae Variant Classification Sherloc (09022015). Collection method: clinical testing. Allele origin: germline.
Comment: This sequence change replaces serine with isoleucine at codon 1197 of the WNK1 protein (p.Ser1197Ile). The serine residue is highly conserved and there is a large physicochemical difference between serine and isoleucine. This variant is not present in population databases (ExAC no frequency). This variant has not been reported in the literature in individuals with WNK1-related disease. Algorithms developed to predict the effect of missense changes on protein structure and function are either unavailable or do not agree on the potential impact of this missense change (SIFT: "Deleterious"; PolyPhen-2: "Possibly Damaging"; Align-GVGD: "Class C15"). In summary, the available evidence is currently insufficient to determine the role of this variant in disease. Therefore, it has been classified as a Variant of Uncertain Significance.

NM_018979.4(WNK1):c.3590G>T (p.Ser1197Ile)

Gene: WNK1 (WNK lysine deficient protein kinase 1; plus strand). Cytogenetic location: 12p13.33.
Variant type: single nucleotide variant.
Coding change: c.3590G>T on transcript NM_018979.4 (MANE Select); coding-DNA position 3590, G replaced by T.
Protein change: p.Ser1197Ile; replaces serine 1197 with isoleucine.
Molecular consequence: missense variant.
Genome position (GRCh38, 1-based): chr12:883,495, G>T. VCF-style: chr12-883495-G-T. GRCh37 (hg19) VCF-style: chr12-992661-G-T.
Other names: c.4346G>T, p.Ser1449Ile (NM_213655.5); c.4370G>T, p.Ser1457Ile (NM_001184985.2); c.2849G>T, p.Ser950Ile (NM_014823.3); short protein forms S1197I, S950I, S1449I, S1457I.
Identifiers: ClinVar variation 660527 (VCV000660527.9), dbSNP rs1592165053, ClinGen allele CA383329194.
Genomic context (GRCh38, chr12:883,495, plus strand): 5'-TTGTGGATCAAGTGCGAGAAATTATTGAAAAAGCTGATGAAATGCTCAGTGAGGATGTCA[G>T]TGTGGAACCAGAGGGTGATCAGGGATTGGAGAGTCTACAAGGAAAGGATGACTATGGCTT-3'
Protein context (NP_061852.3, residues 1187-1207): KADEMLSEDV[Ser1197Ile]VEPEGDQGLE